The following is an entry in ClinVar:

ClinVar aggregate classification (germline): Benign. Review status: criteria provided, multiple submitters, no conflicts (2 of 4 stars). 3 submissions from 3 submitters: Benign (3). Last evaluated 2021-06-20.

Conditions:
Meier-Gorlin syndrome 1 (MGORS1). Also called: EAR, PATELLA, SHORT STATURE SYNDROME. Identifiers: Orphanet 2554, MedGen C4552001, MONDO:0009143, OMIM 224690.

Allele frequency attached by ClinVar (database versions not stated): 1000 Genomes Project 0.04093; gnomAD 0.04166 and 0.04368; TOPMed 0.04392; 1000 Genomes Project 30x 0.04482.
gnomAD v4.1: 11,053 of 535,180 alleles (2.1%); highest among the groups gnomAD compares: African/African-American, 13%; 491 homozygotes.

Submissions (3):

GeneDx
Classification: Benign. Last evaluated: 2021-06-20. Review status: criteria provided, single submitter. Criteria: GeneDx Variant Classification Process June 2021. Collection method: clinical testing. Allele origin: germline. Affected: yes.

Illumina Laboratory Services, Illumina
Classification: Benign for Meier-Gorlin syndrome 1. Last evaluated: 2018-01-12. Review status: criteria provided, single submitter. Criteria: ICSL Variant Classification Criteria 13 December 2019. Collection method: clinical testing. Allele origin: germline.
Comment: This variant was observed in the ICSL laboratory as part of a predisposition screen in an ostensibly healthy population. It had not been previously curated by ICSL or reported in the Human Gene Mutation Database (HGMD: prior to June 1st, 2018), and was therefore a candidate for classification through an automated scoring system. Utilizing variant allele frequency, disease prevalence and penetrance estimates, and inheritance mode, an automated score was calculated to assess if this variant is too frequent to cause the disease. Based on the score and internal cut-off values, a variant classified as benign is not then subjected to further curation. The score for this variant resulted in a classification of benign for this disease.

Breakthrough Genomics
Classification: Benign. Review status: criteria provided, single submitter. Criteria: ACMG Guidelines, 2015. Collection method: not provided. Allele origin: germline. Inheritance: Autosomal recessive inheritance. Affected: yes.

NM_004153.4(ORC1):c.*231C>T

Gene: ORC1 (origin recognition complex subunit 1; minus strand). Cytogenetic location: 1p32.3.
Variant type: single nucleotide variant.
Coding change: c.*231C>T on transcript NM_004153.4 (MANE Select); 231 bases downstream of the stop codon, C replaced by T.
Molecular consequence: 3 prime UTR variant.
Genome position (GRCh38, 1-based): chr1:52,372,950, G>A on the plus strand (C>T on the coding strand, the complement: ORC1 is on the minus strand). VCF-style: chr1-52372950-G-A. GRCh37 (hg19) VCF-style: chr1-52838622-G-A.
Other names: c.*231C>T (NM_001190818.2, NM_001190819.2).
Identifiers: ClinVar variation 297574 (VCV000297574.7), dbSNP rs3087471, ClinGen allele CA10611213.